The following is an entry in ClinVar:

ClinVar aggregate classification (germline): Uncertain significance (1 of 4 stars; one submission).

Conditions:
Hereditary cancer-predisposing syndrome. Also called: Neoplastic Syndromes, Hereditary; Tumor predisposition; Hereditary Cancer Syndrome; Hereditary neoplastic syndrome. Identifiers: Orphanet 140162, MedGen C0027672, MeSH D009386, MONDO:0015356.

Submission:

Ambry Genetics
Classification: Uncertain significance for Hereditary cancer-predisposing syndrome. Last evaluated: 2026-05-08. Review status: criteria provided, single submitter. Criteria: Ambry Variant Classification Scheme 2023. Collection method: clinical testing. Allele origin: germline.
Comment: The p.A909V variant (also known as c.2726C>T), located in coding exon 16 of the ALK gene, results from a C to T substitution at nucleotide position 2726. The alanine at codon 909 is replaced by valine, an amino acid with similar properties. This amino acid position is highly conserved in available vertebrate species. In addition, the in silico prediction for this alteration is inconclusive. Based on the available evidence, the clinical significance of this variant remains unclear.

NM_004304.5(ALK):c.2726C>T (p.Ala909Val)

Gene: ALK (ALK receptor tyrosine kinase; minus strand). Cytogenetic location: 2p23.2.
Variant type: single nucleotide variant.
Coding change: c.2726C>T on transcript NM_004304.5 (MANE Select); coding-DNA position 2726, C replaced by T.
Protein change: p.Ala909Val; replaces alanine 909 with valine.
Molecular consequence: missense variant.
Genome position (GRCh38, 1-based): chr2:29,228,973, G>A on the plus strand (C>T on the coding strand, the complement: ALK is on the minus strand). VCF-style: chr2-29228973-G-A. GRCh37 (hg19) VCF-style: chr2-29451839-G-A.
Other names: short protein forms A909V.
Identifiers: ClinVar variation 4869837 (VCV004869837.1).